The following is an entry in ClinVar:

NM_001378454.1(ALMS1):c.3300A>C (p.Arg1100Ser)

Gene: ALMS1 (ALMS1 centrosome and basal body associated protein; plus strand). Cytogenetic location: 2p13.1.
Variant type: single nucleotide variant.
Coding change: c.3300A>C on transcript NM_001378454.1 (MANE Select); coding-DNA position 3300, A replaced by C.
Protein change: p.Arg1100Ser; replaces arginine 1100 with serine.
Molecular consequence: missense variant.
Genome position (GRCh38, 1-based): chr2:73,449,827, A>C. VCF-style: chr2-73449827-A-C. GRCh37 (hg19) VCF-style: chr2-73676954-A-C.
Other names: c.3303A>C, p.Arg1101Ser (NM_015120.4); short protein forms R1100S, R1101S.
Identifiers: ClinVar variation 1981773 (VCV001981773.4), dbSNP rs2466097586, ClinGen allele CA347274928.

ClinVar aggregate classification (germline): Uncertain significance (1 of 4 stars; one submission).

Conditions:
Alstrom syndrome (ALMS). Identifiers: Orphanet 64, MedGen C0268425, MONDO:0008763, OMIM 203800.

Submission:

Labcorp Genetics (formerly Invitae), Labcorp
Classification: Uncertain significance for Alstrom syndrome. Last evaluated: 2022-07-31. Review status: criteria provided, single submitter. Criteria: Invitae Variant Classification Sherloc (09022015). Collection method: clinical testing. Allele origin: germline.
Comment: This sequence change replaces arginine, which is basic and polar, with serine, which is neutral and polar, at codon 1101 of the ALMS1 protein (p.Arg1101Ser). This variant is not present in population databases (gnomAD no frequency). This variant has not been reported in the literature in individuals affected with ALMS1-related conditions. Experimental studies and prediction algorithms are not available or were not evaluated, and the functional significance of this variant is currently unknown. In summary, the available evidence is currently insufficient to determine the role of this variant in disease. Therefore, it has been classified as a Variant of Uncertain Significance.